The following is an entry in ClinVar:

NM_198525.3(KIF7):c.2783C>T (p.Ala928Val)

Gene: KIF7 (kinesin family member 7; minus strand). Cytogenetic location: 15q26.1.
Variant type: single nucleotide variant.
Coding change: c.2783C>T on transcript NM_198525.3 (MANE Select); coding-DNA position 2783, C replaced by T.
Protein change: p.Ala928Val; replaces alanine 928 with valine.
Molecular consequence: missense variant.
Genome position (GRCh38, 1-based): chr15:89,632,932, G>A on the plus strand (C>T on the coding strand, the complement: KIF7 is on the minus strand). VCF-style: chr15-89632932-G-A. GRCh37 (hg19) VCF-style: chr15-90176163-G-A.
Other names: short protein forms A928V.
Identifiers: ClinVar variation 1517227 (VCV001517227.6), dbSNP rs764218371, ClinGen allele CA7727945.

ClinVar aggregate classification (germline): Uncertain significance (1 of 4 stars; one submission).

Conditions:
Acrocallosal syndrome (ACLS). Also called: HALLUX DUPLICATION, POSTAXIAL POLYDACTYLY, AND ABSENCE OF CORPUS CALLOSUM; Schinzel syndrome 1; Absence of corpus callosum with unusual facial appearance, mental deficiency, duplication of the halluces and polydactyly. Identifiers: Orphanet 36, MedGen C0796147, MONDO:0008708, OMIM 200990.

Allele frequency attached by ClinVar (database versions not stated): TOPMed below 0.00001.
gnomAD v4.1: 34 of 1,554,766 alleles (0.0022%); highest among the groups gnomAD compares: East Asian, 0.019%; no homozygotes.

Submission:

Labcorp Genetics (formerly Invitae), Labcorp
Classification: Uncertain significance for Acrocallosal syndrome. Last evaluated: 2022-02-24. Review status: criteria provided, single submitter. Criteria: Invitae Variant Classification Sherloc (09022015). Collection method: clinical testing. Allele origin: germline.
Comment: In summary, the available evidence is currently insufficient to determine the role of this variant in disease. Therefore, it has been classified as a Variant of Uncertain Significance. Algorithms developed to predict the effect of sequence changes on RNA splicing suggest that this variant may create or strengthen a splice site. Algorithms developed to predict the effect of missense changes on protein structure and function are either unavailable or do not agree on the potential impact of this missense change (SIFT: "Deleterious"; PolyPhen-2: "Possibly Damaging"; Align-GVGD: "Class C0"). This variant has not been reported in the literature in individuals affected with KIF7-related conditions. This variant is present in population databases (rs764218371, gnomAD 0.01%). This sequence change replaces alanine, which is neutral and non-polar, with valine, which is neutral and non-polar, at codon 928 of the KIF7 protein (p.Ala928Val).